The following is an entry in ClinVar:

NM_002941.4(ROBO1):c.938A>G (p.His313Arg)

Gene: ROBO1 (roundabout guidance receptor 1; minus strand). Cytogenetic location: 3p12.3.
Variant type: single nucleotide variant.
Coding change: c.938A>G on transcript NM_002941.4 (MANE Select); coding-DNA position 938, A replaced by G.
Protein change: p.His313Arg; replaces histidine 313 with arginine.
Molecular consequence: missense variant.
Genome position (GRCh38, 1-based): chr3:78,714,504, T>C on the plus strand (A>G on the coding strand, the complement: ROBO1 is on the minus strand). VCF-style: chr3-78714504-T-C. GRCh37 (hg19) VCF-style: chr3-78763654-T-C.
Other names: c.821A>G, p.His274Arg (NM_001145845.2, NM_133631.4); short protein forms H274R, H313R.
Identifiers: ClinVar variation 4764187 (VCV004764187.1).

ClinVar aggregate classification (germline): Uncertain significance (1 of 4 stars; one submission).

gnomAD v4.1: 62 of 1,611,482 alleles (0.0038%); highest among the groups gnomAD compares: Non-Finnish European, 0.0051%; no homozygotes.

Submission:

Labcorp Genetics (formerly Invitae), Labcorp
Classification: Uncertain significance. Last evaluated: 2025-09-15. Review status: criteria provided, single submitter. Criteria: Invitae Variant Classification Sherloc (09022015). Collection method: clinical testing. Allele origin: germline.
Comment: This sequence change replaces histidine, which is basic and polar, with arginine, which is basic and polar, at codon 313 of the ROBO1 protein (p.His313Arg). This variant is present in population databases (rs374365626, gnomAD 0.002%). This variant has not been reported in the literature in individuals affected with ROBO1-related conditions. Invitae Evidence Modeling of protein sequence and biophysical properties (such as structural, functional, and spatial information, amino acid conservation, physicochemical variation, residue mobility, and thermodynamic stability) indicates that this missense variant is not expected to disrupt ROBO1 protein function with a negative predictive value of 95%. In summary, the available evidence is currently insufficient to determine the role of this variant in disease. Therefore, it has been classified as a Variant of Uncertain Significance.